The following is an entry in ClinVar:

NM_022132.5(MCCC2):c.739del

Gene: MCCC2 (methylcrotonyl-CoA carboxylase subunit 2; plus strand). Cytogenetic location: 5q13.2.
Variant type: Deletion.
Coding change: c.739del on transcript NM_022132.5 (MANE Select); coding-DNA position 739, one base deleted (G; older notation c.739delG).
Molecular consequence: splice acceptor variant.
Genome position (GRCh38, 1-based): chr5:71,632,121, G deleted; the last of 2 consecutive G bases (chr5:71,632,120-71,632,121); deleting either gives the same sequence. VCF-style (leftmost placement, unchanged base first): chr5-71632119-AG-A. GRCh37 (hg19) VCF-style: chr5-70927946-AG-A.
Identifiers: ClinVar variation 934991 (VCV000934991.12), dbSNP rs1463802125, ClinGen allele CA560307667.

ClinVar aggregate classification (germline): Pathogenic/Likely pathogenic. Review status: criteria provided, multiple submitters, no conflicts (2 of 4 stars). 3 submissions from 3 submitters: Pathogenic (1); Likely pathogenic (2). Last evaluated 2025-11-03.

Conditions:
3-methylcrotonyl-CoA carboxylase 2 deficiency. Also called: 3 alpha methylcrotonyl-CoA carboxylase 2 deficiency; 3 alpha methylcrotonylglycinuria 2; MCC 2 deficiency; Methylcrotonylglycinuria type 2; METHYLCROTONYLGLYCINURIA, TYPE II. Identifiers: Orphanet 6, MedGen C1859499, MONDO:0008862, OMIM 210210.

Submissions (3):

Natera, Inc.
Classification: Likely pathogenic for 3-methylcrotonyl-CoA carboxylase 2 deficiency. Last evaluated: 2025-11-03. Review status: criteria provided, single submitter. Criteria: Natera Variant Classification Schema (03/2026). Collection method: clinical testing. Allele origin: germline.
Comment: The c.739del variant in MCCC2 is a frameshift variant predicted to shift the reading frame beginning at codon 247 and leads to a stop codon 26 codons downstream. This variant is expected to result in nonsense mediated decay, truncation, or a dysfunctional protein product. This variant is rare in the general population with a frequency below the threshold expected for the associated phenotype(s). Given the available evidence, this variant is classified as Likely Pathogenic.

Baylor Genetics
Classification: Likely pathogenic for 3-methylcrotonyl-CoA carboxylase 2 deficiency. Last evaluated: 2022-12-14. Review status: criteria provided, single submitter. Criteria: ACMG Guidelines, 2015. Collection method: clinical testing. Allele origin: unknown.

Labcorp Genetics (formerly Invitae), Labcorp
Classification: Pathogenic for 3-methylcrotonyl-CoA carboxylase 2 deficiency. Last evaluated: 2020-09-08. Review status: criteria provided, single submitter. Criteria: Invitae Variant Classification Sherloc (09022015). Collection method: clinical testing. Allele origin: germline.
Comment: For these reasons, this variant has been classified as Pathogenic. Loss-of-function variants in MCCC2 are known to be pathogenic (PMID: 11181649, 22642865). Algorithms developed to predict the effect of sequence changes on RNA splicing suggest that this variant may disrupt the consensus splice site, but this prediction has not been confirmed by published transcriptional studies. This variant has not been reported in the literature in individuals with MCCC2-related conditions. This variant is not present in population databases (ExAC no frequency). This sequence change creates a premature translational stop signal (p.Val247Leufs*26) in the MCCC2 gene. It is expected to result in an absent or disrupted protein product.

Literature cited by the submitters: PubMed 11181649 (cited by Labcorp Genetics (formerly Invitae), Labcorp); PubMed 22642865 (cited by Labcorp Genetics (formerly Invitae), Labcorp).